The following is an entry in ClinVar:

ClinVar aggregate classification (germline): Uncertain significance. Review status: criteria provided, multiple submitters, no conflicts (2 of 4 stars). 2 submissions from 2 submitters: Uncertain significance (2). Last evaluated 2023-10-16.

Conditions:
Lafora disease. Also called: Epilepsy progressive myoclonic 2; Progressive Myoclonus Epilepsy, Lafora Type. Identifiers: Orphanet 501, MedGen C0751783, MONDO:0009697.

Allele frequency attached by ClinVar (database versions not stated): TOPMed below 0.00001; gnomAD 0.00001.

Submissions (2):

GeneDx
Classification: Uncertain significance. Last evaluated: 2023-10-16. Review status: criteria provided, single submitter. Criteria: GeneDx Variant Classification Process June 2021. Collection method: clinical testing. Allele origin: germline. Affected: yes.
Comment: Not observed at significant frequency in large population cohorts (gnomAD); In silico analysis supports that this missense variant does not alter protein structure/function; Has not been previously published as pathogenic or benign to our knowledge

Labcorp Genetics (formerly Invitae), Labcorp
Classification: Uncertain significance for Lafora disease. Last evaluated: 2020-08-20. Review status: criteria provided, single submitter. Criteria: Invitae Variant Classification Sherloc (09022015). Collection method: clinical testing. Allele origin: germline.
Comment: This sequence change replaces proline with serine at codon 108 of the NHLRC1 protein (p.Pro108Ser). The proline residue is moderately conserved and there is a moderate physicochemical difference between proline and serine. This variant is not present in population databases (ExAC no frequency). This variant has not been reported in the literature in individuals with NHLRC1-related conditions. Algorithms developed to predict the effect of missense changes on protein structure and function output the following: SIFT: "Tolerated"; PolyPhen-2: "Benign"; Align-GVGD: "Class C0". The serine amino acid residue is found in multiple mammalian species, suggesting that this missense change does not adversely affect protein function. These predictions have not been confirmed by published functional studies and their clinical significance is uncertain. In summary, the available evidence is currently insufficient to determine the role of this variant in disease. Therefore, it has been classified as a Variant of Uncertain Significance.

NM_198586.3(NHLRC1):c.322C>T (p.Pro108Ser)

Gene: NHLRC1 (NHL repeat containing E3 ubiquitin protein ligase 1; minus strand). Cytogenetic location: 6p22.3.
Variant type: single nucleotide variant.
Coding change: c.322C>T on transcript NM_198586.3 (MANE Select); coding-DNA position 322, C replaced by T.
Protein change: p.Pro108Ser; replaces proline 108 with serine.
Molecular consequence: missense variant.
Genome position (GRCh38, 1-based): chr6:18,122,285, G>A on the plus strand (C>T on the coding strand, the complement: NHLRC1 is on the minus strand). VCF-style: chr6-18122285-G-A. GRCh37 (hg19) VCF-style: chr6-18122516-G-A.
Other names: c.322C>T (NM_198586.2); short protein forms P108S.
Identifiers: ClinVar variation 1007002 (VCV001007002.10), dbSNP rs1467326281, ClinGen allele CA362828841.